The following is an entry in ClinVar:

ClinVar aggregate classification (germline): Conflicting classifications of pathogenicity. Review status: criteria provided, conflicting classifications (1 of 4 stars). 4 submissions from 4 submitters: Uncertain significance (3); Likely benign (1). Last evaluated 2026-04-07.

Conditions:
Inborn genetic diseases. Identifiers: MedGen C0950123, MeSH D030342.
Hereditary spastic paraplegia. Also called: Familial spastic paraparesis. Identifiers: Orphanet 685, MedGen C0037773, MONDO:0019064. Disease mechanism: loss of function.
ZFYVE26-related disorder. Also called: ZFYVE26-related condition.

Allele frequency attached by ClinVar (database versions not stated): ExAC 0.00001; gnomAD exomes 0.00001; gnomAD 0.00002; TOPMed 0.00003; ESP Exome Variant Server 0.00008.
gnomAD v4.1: 76 of 1,613,650 alleles (0.0047%); highest among the groups gnomAD compares: Non-Finnish European, 0.0057%; no homozygotes.

Submissions (4):

PreventionGenetics, part of Exact Sciences
Classification: Uncertain significance for ZFYVE26-related condition. Last evaluated: 2026-04-07. Review status: criteria provided, single submitter. Criteria: ACMG Guidelines, 2015. Collection method: clinical testing. Allele origin: germline.
Comment: The ZFYVE26 c.4073G>A variant is predicted to result in the amino acid substitution p.Arg1358His. To our knowledge, this variant has not been reported in the literature. This variant is reported in 0.0018% of alleles in individuals of European (non-Finnish) descent in gnomAD. At this time, the clinical significance of this variant is uncertain due to the absence of conclusive functional and genetic evidence.

Mayo Clinic Laboratories, Mayo Clinic
Classification: Uncertain significance. Last evaluated: 2025-06-05. Review status: criteria provided, single submitter. Criteria: ACMG Guidelines, 2015. Collection method: clinical testing. Allele origin: germline. Observed: 1 variant allele.
Comment: BP4_moderate

Ambry Genetics
Classification: Likely benign for Inborn genetic diseases. Last evaluated: 2025-01-29. Review status: criteria provided, single submitter. Criteria: Ambry Variant Classification Scheme 2023. Collection method: clinical testing. Allele origin: germline.

Genome Diagnostics Laboratory, The Hospital for Sick Children
Classification: Uncertain significance for Hereditary spastic paraplegia. Last evaluated: 2016-12-12. Review status: criteria provided, single submitter. Criteria: ACMG Guidelines, 2015. Collection method: clinical testing. Allele origin: germline. Affected: yes.

NM_015346.4(ZFYVE26):c.4073G>A (p.Arg1358His)

Gene: ZFYVE26 (zinc finger FYVE-type containing 26; minus strand). Cytogenetic location: 14q24.1.
Variant type: single nucleotide variant.
Coding change: c.4073G>A on transcript NM_015346.4 (MANE Select); coding-DNA position 4073, G replaced by A.
Protein change: p.Arg1358His; replaces arginine 1358 with histidine.
Molecular consequence: missense variant.
Genome position (GRCh38, 1-based): chr14:67,783,079, C>T on the plus strand (G>A on the coding strand, the complement: ZFYVE26 is on the minus strand). VCF-style: chr14-67783079-C-T. GRCh37 (hg19) VCF-style: chr14-68249796-C-T.
Other names: p.Arg1358His; short protein forms R1358H.
Identifiers: ClinVar variation 1344196 (VCV001344196.6), dbSNP rs138424288, ClinGen allele CA7239840.